The following is an entry in ClinVar:

NM_001287491.2(TET3):c.1721C>T (p.Pro574Leu)

Gene: TET3 (tet methylcytosine dioxygenase 3; plus strand). Cytogenetic location: 2p13.1.
Variant type: single nucleotide variant.
Coding change: c.1721C>T on transcript NM_001287491.2 (MANE Select); coding-DNA position 1721, C replaced by T.
Protein change: p.Pro574Leu; replaces proline 574 with leucine.
Molecular consequence: missense variant.
Genome position (GRCh38, 1-based): chr2:74,047,638, C>T. VCF-style: chr2-74047638-C-T. GRCh37 (hg19) VCF-style: chr2-74274765-C-T.
Other names: c.1442C>T, p.Pro481Leu (NM_001366022.1); c.1316C>T, p.Pro439Leu (NM_144993.1); short protein forms P439L, P481L, P574L.
Identifiers: ClinVar variation 2572278 (VCV002572278.1), dbSNP rs1252700481, ClinGen allele CA347328628.
Genomic context (GRCh38, chr2:74,047,638, plus strand): 5'-CTTCTGCTCCTGGCTGGTGGCCCCCACCAAGTTCACCTGTCCCACGGCTTCCAGACAGAC[C>T]ACCCAAGGAGAAGAAGAAGAAGCTCCCAACACCAGCTGGAGGTCCCGTGGGAACGGAGAA-3'
Protein context (NP_001274420.1, residues 564-584): SSPVPRLPDR[Pro574Leu]PKEKKKKLPT

ClinVar aggregate classification (germline): Uncertain significance (1 of 4 stars; one submission).

Allele frequency attached by ClinVar (database versions not stated): TOPMed below 0.00001; gnomAD 0.00001; gnomAD exomes 0.00001.
gnomAD v4.1: 13 of 1,613,424 alleles (0.00081%); highest among the groups gnomAD compares: Non-Finnish European, 0.0011%; no homozygotes.

Submission:

Greenwood Genetic Center Diagnostic Laboratories, Greenwood Genetic Center
Classification: Uncertain significance. Last evaluated: 2023-04-07. Review status: criteria provided, single submitter. Criteria: ACMG Guidelines, 2015. Collection method: clinical testing. Allele origin: germline. Affected: yes.
Comment: PM2